The following is an entry in ClinVar:

NM_206926.2(SELENON):c.1670A>G (p.Ter557Trp)

Gene: SELENON (selenoprotein N; plus strand). Cytogenetic location: 1p36.11.
Variant type: single nucleotide variant.
Coding change: c.1670A>G on transcript NM_206926.2 (MANE Select); coding-DNA position 1670, A replaced by G.
Protein change: p.Ter557Trp.
Molecular consequence: stop lost.
Genome position (GRCh38, 1-based): chr1:25,815,717, A>G. VCF-style: chr1-25815717-A-G. GRCh37 (hg19) VCF-style: chr1-26142208-A-G.
Other names: c.1772A>G, p.Ter591Trp (NM_020451.3).
Identifiers: ClinVar variation 1343697 (VCV001343697.1), dbSNP rs2124456999, ClinGen allele CA339121760.

ClinVar aggregate classification (germline): Uncertain significance (1 of 4 stars; one submission).

Allele frequency attached by ClinVar (database versions not stated): gnomAD exomes below 0.00001.
gnomAD v4.1: 1 of 1,613,832 alleles (0.000062%); highest among the groups gnomAD compares: Non-Finnish European, 0.000085%; no homozygotes.

Submission:

Women's Health and Genetics/Laboratory Corporation of America, LabCorp
Classification: Uncertain significance. Last evaluated: 2022-02-17. Review status: criteria provided, single submitter. Criteria: LabCorp Variant Classification Summary - May 2015. Collection method: clinical testing. Allele origin: germline.
Comment: Variant summary: SELENON c.1772A>G (p.X591TrpextX35) changes the termination codon and is predicted to lead to an extended protein with additional amino acids added to the normal C-terminus. The variant was absent in 249178 control chromosomes (gnomAD). The available data on variant occurrences in the general population are insufficient to allow any conclusion about variant significance. To our knowledge, no occurrence of c.1772A>G in individuals affected with Eichsfeld Type Congenital Muscular Dystrophy and no experimental evidence demonstrating its impact on protein function have been reported. No clinical diagnostic laboratories have submitted clinical-significance assessments for this variant to ClinVar after 2014. Based on the evidence outlined above, the variant was classified as uncertain significance.